The following is an entry in ClinVar:

NM_001378615.1(CC2D2A):c.2554G>C (p.Ala852Pro)

Genes: CC2D2A (coiled-coil and C2 domain containing 2A; plus strand), FBXL5 (F-box and leucine rich repeat protein 5; minus strand). Cytogenetic location: 4p15.32.
Variant type: single nucleotide variant.
Coding change: c.2554G>C on transcript NM_001378615.1 (MANE Select); coding-DNA position 2554, G replaced by C.
Protein change: p.Ala852Pro; replaces alanine 852 with proline.
Molecular consequence: missense variant.
Genome position (GRCh38, 1-based): chr4:15,555,139, G>C. VCF-style: chr4-15555139-G-C. GRCh37 (hg19) VCF-style: chr4-15556762-G-C.
Other names: c.2554G>C, p.Ala852Pro (NM_001080522.2); c.2407G>C, p.Ala803Pro (NM_001378617.1); short protein forms A852P, A803P.
Identifiers: ClinVar variation 1375823 (VCV001375823.6), dbSNP rs2109055415, ClinGen allele CA356420517.
Genomic context (GRCh38, chr4:15,555,139, plus strand): 5'-AAGAAAGCAGATGCCATCTCATCTATTGGCACATCAGGACTGACAGACATGAAAAAATTG[G>C]CCAAGTGGGCAGCAGAGTCCAAGCTCGACCCAAATGACCCCAACAATGCCCCTTTGATGC-3'
Protein context (NP_001365544.1, residues 842-862): TSGLTDMKKL[Ala852Pro]KWAAESKLDP

ClinVar aggregate classification (germline): Uncertain significance (1 of 4 stars; one submission).

Conditions:
Joubert syndrome. Also called: JOUBERT-BOLTSHAUSER SYNDROME; Familial aplasia of the vermis. Identifiers: Orphanet 475, MedGen C5979921, MONDO:0018772.
Meckel-Gruber syndrome. Also called: DYSENCEPHALIA SPLANCHNOCYSTICA; GRUBER SYNDROME; Dysencephalia splachnocystica. Identifiers: Orphanet 564, MedGen C0265215, MONDO:0018921.

Submission:

Labcorp Genetics (formerly Invitae), Labcorp
Classification: Uncertain significance for Joubert syndrome; Meckel-Gruber syndrome. Last evaluated: 2022-03-19. Review status: criteria provided, single submitter. Criteria: Invitae Variant Classification Sherloc (09022015). Collection method: clinical testing. Allele origin: germline.
Comment: This sequence change replaces alanine, which is neutral and non-polar, with proline, which is neutral and non-polar, at codon 852 of the CC2D2A protein (p.Ala852Pro). This variant is not present in population databases (gnomAD no frequency). This variant has not been reported in the literature in individuals affected with CC2D2A-related conditions. Advanced modeling of protein sequence and biophysical properties (such as structural, functional, and spatial information, amino acid conservation, physicochemical variation, residue mobility, and thermodynamic stability) performed at Invitae indicates that this missense variant is expected to disrupt CC2D2A protein function. In summary, the available evidence is currently insufficient to determine the role of this variant in disease. Therefore, it has been classified as a Variant of Uncertain Significance.